The following is an entry in ClinVar:

NM_000214.3(JAG1):c.47T>G (p.Leu16Arg)

Gene: JAG1 (jagged canonical Notch ligand 1; minus strand). Cytogenetic location: 20p12.2.
Variant type: single nucleotide variant.
Coding change: c.47T>G on transcript NM_000214.3 (MANE Select); coding-DNA position 47, T replaced by G.
Protein change: p.Leu16Arg; replaces leucine 16 with arginine.
Molecular consequence: missense variant.
Genome position (GRCh38, 1-based): chr20:10,673,484, A>C on the plus strand (T>G on the coding strand, the complement: JAG1 is on the minus strand). VCF-style: chr20-10673484-A-C. GRCh37 (hg19) VCF-style: chr20-10654132-A-C.
Other names: short protein forms L16R.
Identifiers: ClinVar variation 3573442 (VCV003573442.2).

Conditions:
Arteriohepatic dysplasia. Also called: Alagille Syndrome. Identifiers: Orphanet 52, MedGen C0085280, MeSH D016738, MONDO:0007318.

Submission:

Gilbert/Spinner Lab, Children's Hospital of Philadelphia
No classification provided (evidence only). Condition: Alagille syndrome. Review status: no classification provided. Collection method: research. Allele origin: not applicable. Functional consequence: functionally_abnormal.
ClinVar note: "not provided" was previously submitted as the classification for the variant. However, the classification appeared to be based only on an observation of functional data so it was converted to no classification on 2025-07-30.